The following is an entry in ClinVar:

ClinVar aggregate classification (germline): Uncertain significance. Review status: criteria provided, multiple submitters, no conflicts (2 of 4 stars). 4 submissions from 3 submitters: Uncertain significance (4). Last evaluated 2024-06-09.

Conditions:
Inborn genetic diseases. Identifiers: MedGen C0950123, MeSH D030342.
Familial cutaneous telangiectasia and oropharyngeal predisposition cancer syndrome. Identifiers: Orphanet 313846, MedGen C3281203, MONDO:0013806, OMIM 614564.
Seckel syndrome 1 (SCKL1). Also called: MICROCEPHALIC PRIMORDIAL DWARFISM I. Identifiers: Orphanet 808, MedGen C4551474, MONDO:0008869, OMIM 210600.

Allele frequency attached by ClinVar (database versions not stated): gnomAD exomes below 0.00001; gnomAD 0.00001.
gnomAD v4.1: 6 of 1,610,234 alleles (0.00037%); highest among the groups gnomAD compares: African/African-American, 0.0013%; no homozygotes.

Submissions (4):

Ambry Genetics
Classification: Uncertain significance for Inborn genetic diseases. Last evaluated: 2024-06-09. Review status: criteria provided, single submitter. Criteria: Ambry Variant Classification Scheme 2023. Collection method: clinical testing. Allele origin: germline.
Comment: The p.M456I variant (also known as c.1368G>A), located in coding exon 6 of the ATR gene, results from a G to A substitution at nucleotide position 1368. The methionine at codon 456 is replaced by isoleucine, an amino acid with highly similar properties. This amino acid position is conserved. In addition, this alteration is predicted to be tolerated by in silico analysis. Since supporting evidence is limited at this time, the clinical significance of this alteration remains unclear.

Genome-Nilou Lab
Classification: Uncertain significance for Seckel syndrome 1. Last evaluated: 2023-02-08. Review status: criteria provided, single submitter. Criteria: ACMG Guidelines, 2015. Collection method: clinical testing. Allele origin: germline.

Genome-Nilou Lab
Classification: Uncertain significance for Familial cutaneous telangiectasia and oropharyngeal predisposition cancer syndrome. Last evaluated: 2023-02-08. Review status: criteria provided, single submitter. Criteria: ACMG Guidelines, 2015. Collection method: clinical testing. Allele origin: germline.

Labcorp Genetics (formerly Invitae), Labcorp
Classification: Uncertain significance. Last evaluated: 2021-02-18. Review status: criteria provided, single submitter. Criteria: Invitae Variant Classification Sherloc (09022015). Collection method: clinical testing. Allele origin: germline.
Comment: This sequence change replaces methionine with isoleucine at codon 456 of the ATR protein (p.Met456Ile). The methionine residue is moderately conserved and there is a small physicochemical difference between methionine and isoleucine. This variant is not present in population databases (ExAC no frequency). This variant has not been reported in the literature in individuals with ATR-related conditions. Algorithms developed to predict the effect of missense changes on protein structure and function (SIFT, PolyPhen-2, Align-GVGD) all suggest that this variant is likely to be tolerated, but these predictions have not been confirmed by published functional studies and their clinical significance is uncertain. In summary, the available evidence is currently insufficient to determine the role of this variant in disease. Therefore, it has been classified as a Variant of Uncertain Significance.

NM_001184.4(ATR):c.1368G>A (p.Met456Ile)

Gene: ATR (ATR checkpoint kinase; minus strand). Cytogenetic location: 3q23.
Variant type: single nucleotide variant.
Coding change: c.1368G>A on transcript NM_001184.4 (MANE Select); coding-DNA position 1368, G replaced by A.
Protein change: p.Met456Ile; replaces methionine 456 with isoleucine.
Molecular consequence: missense variant. On other transcripts: intron variant (1).
Genome position (GRCh38, 1-based): chr3:142,560,436, C>T on the plus strand (G>A on the coding strand, the complement: ATR is on the minus strand). VCF-style: chr3-142560436-C-T. GRCh37 (hg19) VCF-style: chr3-142279278-C-T.
Other names: c.1349+807G>A (NM_001354579.2); short protein forms M456I.
Identifiers: ClinVar variation 1414829 (VCV001414829.11), dbSNP rs1378223602, ClinGen allele CA354823055.